The following is an entry in ClinVar:

NM_000702.4(ATP1A2):c.193C>A (p.Arg65=)

Gene: ATP1A2 (ATPase Na+/K+ transporting subunit alpha 2; plus strand). Cytogenetic location: 1q23.2.
Variant type: single nucleotide variant.
Coding change: c.193C>A on transcript NM_000702.4 (MANE Select); coding-DNA position 193, C replaced by A.
Protein change: p.Arg65=; no amino-acid change (arginine 65 retained).
Molecular consequence: synonymous variant.
Genome position (GRCh38, 1-based): chr1:160,123,228, C>A. VCF-style: chr1-160123228-C-A. GRCh37 (hg19) VCF-style: chr1-160093018-C-A.
Identifiers: ClinVar variation 1948892 (VCV001948892.9), dbSNP rs121918619, ClinGen allele CA421350191.

ClinVar aggregate classification (germline): Likely benign. Review status: criteria provided, multiple submitters, no conflicts (2 of 4 stars). 2 submissions from 2 submitters: Likely benign (2). Last evaluated 2026-01-01.

Conditions:
Familial hemiplegic migraine. Identifiers: MedGen C0338484, MONDO:0000700.

gnomAD v4.1: 4 of 1,614,074 alleles (0.00025%); highest among the groups gnomAD compares: East Asian, 0.0022%; no homozygotes.

Submissions (2):

CeGaT Center for Human Genetics Tuebingen
Classification: Likely benign. Last evaluated: 2026-01-01. Review status: criteria provided, single submitter. Criteria: CeGaT Center For Human Genetics Tuebingen Variant Classification Criteria Version 2. Collection method: clinical testing. Allele origin: germline. Affected: yes. Observed: 1 variant allele.
Comment: ATP1A2: BP4, BP7

Labcorp Genetics (formerly Invitae), Labcorp
Classification: Likely benign for Familial hemiplegic migraine. Last evaluated: 2022-08-07. Review status: criteria provided, single submitter. Criteria: Invitae Variant Classification Sherloc (09022015). Collection method: clinical testing. Allele origin: germline.